The following is an entry in ClinVar:

ClinVar aggregate classification (germline): Uncertain significance. Review status: criteria provided, multiple submitters, no conflicts (2 of 4 stars). 2 submissions from 2 submitters: Uncertain significance (2). Last evaluated 2025-05-01.

Conditions:
Polycystic kidney disease, adult type (PKD1). Also called: Polycystic Kidney Disease 1, Autosomal Dominant; Polycystic kidney disease 1; Polycystic kidney disease 1, severe; POLYCYSTIC KIDNEY DISEASE 1 WITH OR WITHOUT POLYCYSTIC LIVER DISEASE; POLYCYSTIC KIDNEY DISEASE, ADULT, TYPE I; Polycystic Kidney, Autosomal Dominant. Identifiers: MedGen C3149841, MONDO:0008263, OMIM 173900.

gnomAD v4.1: 3 of 1,611,262 alleles (0.00019%); highest among the groups gnomAD compares: Non-Finnish European, 0.00025%; no homozygotes.

Submissions (2):

Mayo Clinic Laboratories, Mayo Clinic
Classification: Uncertain significance. Last evaluated: 2025-05-01. Review status: criteria provided, single submitter. Criteria: ACMG Guidelines, 2015. Collection method: clinical testing. Allele origin: germline. Observed: 2 variant alleles.
Comment: PM2_supporting

Fulgent Genetics
Classification: Uncertain significance for Polycystic kidney disease, adult type. Last evaluated: 2024-02-29. Review status: criteria provided, single submitter. Criteria: ACMG Guidelines, 2015. Collection method: clinical testing. Allele origin: germline.

NM_001009944.3(PKD1):c.4006A>C (p.Asn1336His)

Gene: PKD1 (polycystin 1, transient receptor potential channel interacting; minus strand). Cytogenetic location: 16p13.3.
Variant type: single nucleotide variant.
Coding change: c.4006A>C on transcript NM_001009944.3 (MANE Select); coding-DNA position 4006, A replaced by C.
Protein change: p.Asn1336His; replaces asparagine 1336 with histidine.
Molecular consequence: missense variant.
Genome position (GRCh38, 1-based): chr16:2,111,161, T>G on the plus strand (A>C on the coding strand, the complement: PKD1 is on the minus strand). VCF-style: chr16-2111161-T-G. GRCh37 (hg19) VCF-style: chr16-2161162-T-G.
Other names: p.Asn1336His; c.4006A>C, p.Asn1336His (NM_000296.4); short protein forms N1336H.
Identifiers: ClinVar variation 3579558 (VCV003579558.2).